The following is an entry in ClinVar:

ClinVar aggregate classification (germline): Pathogenic (1 of 4 stars; one submission).

Conditions:
Peutz-Jeghers syndrome (PJS). Also called: POLYPOSIS, HAMARTOMATOUS INTESTINAL; POLYPS-AND-SPOTS SYNDROME; Peutz-Jeghers polyposis; Periorificial lentiginosis syndrome. Identifiers: Orphanet 2869, MedGen C0031269, MeSH D010580, MONDO:0008280, OMIM 175200.

Submission:

Labcorp Genetics (formerly Invitae), Labcorp
Classification: Pathogenic for Peutz-Jeghers syndrome. Last evaluated: 2025-08-04. Review status: criteria provided, single submitter. Criteria: Invitae Variant Classification Sherloc (09022015). Collection method: clinical testing. Allele origin: germline.
Comment: This sequence change creates a premature translational stop signal (p.Glu256Glyfs*9) in the STK11 gene. It is expected to result in an absent or disrupted protein product. Loss-of-function variants in STK11 are known to be pathogenic (PMID: 15188174, 16287113). This variant is not present in population databases (gnomAD no frequency). This variant has not been reported in the literature in individuals affected with STK11-related conditions. For these reasons, this variant has been classified as Pathogenic.

Literature cited by the submitters: PubMed 15188174; PubMed 16287113.

NM_000455.5(STK11):c.767_825del (p.Glu256fs)

Gene: STK11 (serine/threonine kinase 11; plus strand). Cytogenetic location: 19p13.3.
Variant type: Deletion.
Coding change: c.767_825del on transcript NM_000455.5 (MANE Select); coding-DNA positions 767 to 825, 59 bases deleted.
Protein change: p.Glu256fs; shifts the reading frame from glutamic acid 256.
Molecular consequence: frameshift variant. On other transcripts: non-coding transcript variant (1).
Genome position (GRCh38, 1-based): chr19:1,221,245-1,221,303, 59 bases deleted. GRCh37 (hg19): chr19:1,221,244-1,221,302.
Other names: c.767_825del, p.Glu256fs (NM_001407255.1); short protein forms E256fs.
Identifiers: ClinVar variation 4724772 (VCV004724772.1).